The following is an entry in ClinVar:

NM_004830.4(MED23):c.3059C>T (p.Ala1020Val)

Gene: MED23 (mediator complex subunit 23; minus strand). Cytogenetic location: 6q23.2.
Variant type: single nucleotide variant.
Coding change: c.3059C>T on transcript NM_004830.4 (MANE Select); coding-DNA position 3059, C replaced by T.
Protein change: p.Ala1020Val; replaces alanine 1020 with valine.
Molecular consequence: missense variant.
Genome position (GRCh38, 1-based): chr6:131,594,272, G>A on the plus strand (C>T on the coding strand, the complement: MED23 is on the minus strand). VCF-style: chr6-131594272-G-A. GRCh37 (hg19) VCF-style: chr6-131915412-G-A.
Other names: c.3059C>T, p.Ala1020Val (NM_001270521.2, NM_001270522.2); c.3077C>T, p.Ala1026Val (NM_001376517.1, NM_015979.4); c.3005C>T, p.Ala1002Val (NM_001376518.1); c.2921C>T, p.Ala974Val (NM_001376519.1, NM_001376521.1); c.2918C>T, p.Ala973Val (NM_001376520.1); c.2888C>T, p.Ala963Val (NM_001376522.1); c.2804C>T, p.Ala935Val (NM_001376523.1); c.2672C>T, p.Ala891Val (NM_001376524.1); short protein forms A1002V, A1020V, A1026V, A891V, A935V, A963V, A973V, A974V.
Identifiers: ClinVar variation 3372215 (VCV003372215.1).

ClinVar aggregate classification (germline): Uncertain significance (1 of 4 stars; one submission).

gnomAD v4.1: 1 of 1,614,104 alleles (0.000062%); highest among the groups gnomAD compares: Admixed American, 0.0017%; no homozygotes.

Submission:

GeneDx
Classification: Uncertain significance. Last evaluated: 2024-04-07. Review status: criteria provided, single submitter. Criteria: GeneDx Variant Classification Process June 2021. Collection method: clinical testing. Allele origin: germline. Affected: yes.
Comment: Not observed at significant frequency in large population cohorts (gnomAD); In silico analysis indicates that this missense variant does not alter protein structure/function; Has not been previously published as pathogenic or benign to our knowledge